The following is an entry in ClinVar:

NM_000052.7(ATP7A):c.868T>C (p.Ser290Pro)

Gene: ATP7A (ATPase copper transporting alpha; plus strand). Cytogenetic location: Xq21.1.
Variant type: single nucleotide variant.
Coding change: c.868T>C on transcript NM_000052.7 (MANE Select); coding-DNA position 868, T replaced by C.
Protein change: p.Ser290Pro; replaces serine 290 with proline.
Molecular consequence: missense variant.
Genome position (GRCh38, 1-based): chrX:77,989,490, T>C. VCF-style: chrX-77989490-T-C. GRCh37 (hg19) VCF-style: chrX-77244986-T-C.
Other names: c.868T>C, p.Ser290Pro (NM_001282224.2); short protein forms S290P.
Identifiers: ClinVar variation 2947755 (VCV002947755.3), dbSNP rs2522293555, ClinGen allele CA413601278.
Genomic context (GRCh38, chrX:77,989,490, plus strand): 5'-AGTCCATCATATACCAATGATTCAACAGCCACTTTCATCATTGATGGCATGCATTGTAAA[T>C]CATGTGTGTCAAATATTGAAAGTACTTTATCTGCACTCCAATATGTAAGCAGCATAGTAG-3'
Protein context (NP_000043.4, residues 280-300): TFIIDGMHCK[Ser290Pro]CVSNIESTLS

ClinVar aggregate classification (germline): Uncertain significance (1 of 4 stars; one submission).

Conditions:
Menkes kinky-hair syndrome (MNK). Also called: Copper transport disease; Menkes Disease; Classic Menkes Disease. Identifiers: Orphanet 565, MedGen C0022716, MONDO:0010651, OMIM 309400.
Cutis laxa, X-linked (OHS). Also called: EDS IX; Occipital horn syndrome. Identifiers: Orphanet 198, MedGen C0268353, MONDO:0010572, OMIM 304150.
X-linked distal spinal muscular atrophy type 3. Also called: ATP7A-Related Distal Motor Neuropathy; SPINAL MUSCULAR ATROPHY, DISTAL, X-LINKED RECESSIVE; NEURONOPATHY, DISTAL HEREDITARY MOTOR, X-LINKED; NEUROPATHY, DISTAL HEREDITARY MOTOR, X-LINKED. Identifiers: Orphanet 139557, MedGen C1845359, MONDO:0010338, OMIM 300489.

Submission:

Labcorp Genetics (formerly Invitae), Labcorp
Classification: Uncertain significance for X-linked distal spinal muscular atrophy type 3; Cutis laxa, X-linked; Menkes kinky-hair syndrome. Last evaluated: 2023-01-03. Review status: criteria provided, single submitter. Criteria: Invitae Variant Classification Sherloc (09022015). Collection method: clinical testing. Allele origin: germline.
Comment: This sequence change replaces serine, which is neutral and polar, with proline, which is neutral and non-polar, at codon 290 of the ATP7A protein (p.Ser290Pro). In summary, the available evidence is currently insufficient to determine the role of this variant in disease. Therefore, it has been classified as a Variant of Uncertain Significance. Advanced modeling of protein sequence and biophysical properties (such as structural, functional, and spatial information, amino acid conservation, physicochemical variation, residue mobility, and thermodynamic stability) has been performed at Invitae for this missense variant, however the output from this modeling did not meet the statistical confidence thresholds required to predict the impact of this variant on ATP7A protein function. This variant has not been reported in the literature in individuals affected with ATP7A-related conditions. This variant is not present in population databases (gnomAD no frequency).